The following is an entry in ClinVar:

ClinVar aggregate classification (germline): Pathogenic/Likely pathogenic. Review status: criteria provided, multiple submitters, no conflicts (2 of 4 stars). 2 submissions from 2 submitters: Pathogenic (1); Likely pathogenic (1). Last evaluated 2026-01-22.

Conditions:
Leukoencephalopathy, progressive, with ovarian failure (LKENP). Identifiers: Orphanet 99853, MedGen C4014588, MONDO:0014387, OMIM 615889.
Combined oxidative phosphorylation defect type 8. Also called: CARDIOMYOPATHY, HYPERTROPHIC MITOCHONDRIAL, FATAL INFANTILE. Identifiers: Orphanet 319504, MedGen C4518839, MONDO:0013570, OMIM 614096.

Submissions (2):

Labcorp Genetics (formerly Invitae), Labcorp
Classification: Pathogenic. Last evaluated: 2026-01-22. Review status: criteria provided, single submitter. Criteria: Invitae Variant Classification Sherloc (09022015). Collection method: clinical testing. Allele origin: germline.
Comment: This sequence change creates a premature translational stop signal (p.Gly647Alafs*20) in the AARS2 gene. It is expected to result in an absent or disrupted protein product. Loss-of-function variants in AARS2 are known to be pathogenic (PMID: 24808023, 30285085, 30819764). This variant is not present in population databases (gnomAD no frequency). This variant has not been reported in the literature in individuals affected with AARS2-related conditions. ClinVar contains an entry for this variant (Variation ID: 3779313). For these reasons, this variant has been classified as Pathogenic.

Department of Pathology and Laboratory Medicine, Sinai Health System
Classification: Likely pathogenic for Leukoencephalopathy, progressive, with ovarian failure; Combined oxidative phosphorylation defect type 8. Last evaluated: 2023-08-24. Review status: criteria provided, single submitter. Criteria: ACMG Guidelines, 2015. Collection method: research. Allele origin: germline.

Literature cited by the submitters: PubMed 24808023 (cited by Labcorp Genetics (formerly Invitae), Labcorp); PubMed 30285085 (cited by Labcorp Genetics (formerly Invitae), Labcorp); PubMed 30819764 (cited by Labcorp Genetics (formerly Invitae), Labcorp).

NM_020745.4(AARS2):c.1940del (p.Gly647fs)

Gene: AARS2 (alanyl-tRNA synthetase 2, mitochondrial; minus strand). Cytogenetic location: 6p21.1.
Variant type: Deletion.
Coding change: c.1940del on transcript NM_020745.4 (MANE Select); coding-DNA position 1940, one base deleted (G; older notation c.1940delG).
Protein change: p.Gly647fs; shifts the reading frame from glycine 647.
Molecular consequence: frameshift variant.
Genome position (GRCh38, 1-based): chr6:44,304,248, C deleted on the plus strand (G on the coding strand, the reverse complement: AARS2 is on the minus strand); the first of 3 consecutive C bases (chr6:44,304,248-44,304,250); deleting any one gives the same sequence. VCF-style (leftmost placement, unchanged base first): chr6-44304247-GC-G. GRCh37 (hg19) VCF-style: chr6-44271984-GC-G.
Other names: short protein forms G647fs.
Identifiers: ClinVar variation 3779313 (VCV003779313.2).
Genomic context (GRCh38, chr6:44,304,247, plus strand): 5'-GGTCACATCCAAGCGCAGCTGCTCAGGATTGAGATGGGAGCCCTGCTGCTCTGTGCCAGG[GC>G]CCAGGGTCTGCCTCAGTGCCCAGTTCAGCAGGTGGGTGGCCGTATGCTTCGCCATGCAGC-3'